The following is an entry in ClinVar:

ClinVar aggregate classification (germline): Conflicting classifications of pathogenicity. Review status: criteria provided, conflicting classifications (1 of 4 stars). 6 submissions from 6 submitters: Uncertain significance (2); Benign (2); Likely benign (1). 1 of the submissions does not count toward it. Last evaluated 2026-01-19.

Conditions:
ARID1A-related disorder. Also called: ARID1A-related condition.

Submissions (6):

Labcorp Genetics (formerly Invitae), Labcorp
Classification: Benign. Last evaluated: 2026-01-19. Review status: criteria provided, single submitter. Criteria: Invitae Variant Classification Sherloc (09022015). Collection method: clinical testing. Allele origin: germline.

CeGaT Center for Human Genetics Tuebingen
Classification: Likely benign. Last evaluated: 2024-10-01. Review status: criteria provided, single submitter. Criteria: CeGaT Center For Human Genetics Tuebingen Variant Classification Criteria Version 2. Collection method: clinical testing. Allele origin: germline. Affected: yes. Observed: 2 variant alleles.
Comment: ARID1A: BP3, BS1

GeneDx
Classification: Benign. Last evaluated: 2020-06-10. Review status: criteria provided, single submitter. Criteria: GeneDx Variant Classification Process June 2021. Collection method: clinical testing. Allele origin: germline. Affected: yes.

Eurofins Ntd Llc (ga)
Classification: Uncertain significance. Last evaluated: 2017-05-26. Review status: criteria provided, single submitter. Criteria: EGL Classification Definitions 2015. Collection method: clinical testing. Allele origin: germline.

Genetic Services Laboratory, University of Chicago
Classification: Uncertain significance. Last evaluated: 2015-06-24. Review status: criteria provided, single submitter. Criteria: ACMG Guidelines, 2015. Collection method: clinical testing. Allele origin: germline.

PreventionGenetics, part of Exact Sciences
Classification: Likely benign for ARID1A-related condition. Last evaluated: 2021-05-04. Review status: no assertion criteria provided. Collection method: clinical testing. Allele origin: germline. Not counted in ClinVar's aggregate classification.
Comment: This variant is classified as likely benign based on ACMG/AMP sequence variant interpretation guidelines (Richards et al. 2015 PMID: 25741868, with internal and published modifications).

NM_006015.6(ARID1A):c.729GGC[4] (p.Ala247dup)

Genes: ARID1A (AT-rich interaction domain 1A; plus strand), LOC129929837 (ATAC-STARR-seq lymphoblastoid silent region 489; plus strand). Cytogenetic location: 1p36.11.
Variant type: Microsatellite.
Coding change: c.729GGC[4] on transcript NM_006015.6 (MANE Select); four copies in a row of the 3-base unit GGC starting at c.729; the reference has three copies in a row; one copy, 3 bases duplicated.
Protein change: p.Ala247dup; duplicates alanine 247.
Molecular consequence: inframe insertion.
Genome position (GRCh38, 1-based): chr1:26,697,138-26,697,140, GGC duplicated; duplicating any 3 consecutive bases within chr1:26,697,130-26,697,140 gives the same sequence; the position shown is the placement nearest the transcript's 3' end. VCF-style (leftmost placement, unchanged base first): chr1-26697129-C-CGCG. GRCh37 (hg19) VCF-style: chr1-27023620-C-CGCG.
Other names: c.729GGC[4], p.Ala247dup (NM_139135.4); c.735_737dupGGC (NM_006015.4).
Identifiers: ClinVar variation 210263 (VCV000210263.43), dbSNP rs749970078, ClinGen allele CA208727.